The following is an entry in ClinVar:

ClinVar aggregate classification (germline): Uncertain significance. Review status: criteria provided, single submitter (1 of 4 stars). 2 submissions from 2 submitters: Uncertain significance (1). 1 of the submissions does not count toward it. Last evaluated 2024-12-28.

Conditions:
EHHADH-related disorder. Also called: EHHADH-related condition.

Allele frequency attached by ClinVar (database versions not stated): gnomAD exomes 0.00002; ESP Exome Variant Server 0.00008; ExAC 0.00009; 1000 Genomes Project 30x 0.00016; 1000 Genomes Project 0.00020; gnomAD 0.00024; TOPMed 0.00027.

Submissions (2):

Ambry Genetics
Classification: Uncertain significance. Last evaluated: 2024-12-28. Review status: criteria provided, single submitter. Criteria: Ambry Variant Classification Scheme 2023. Collection method: clinical testing. Allele origin: germline.

PreventionGenetics, part of Exact Sciences
Classification: Likely benign for EHHADH-related condition. Last evaluated: 2023-12-07. Review status: no assertion criteria provided. Collection method: clinical testing. Allele origin: germline. Not counted in ClinVar's aggregate classification.
Comment: This variant is classified as likely benign based on ACMG/AMP sequence variant interpretation guidelines (Richards et al. 2015 PMID: 25741868, with internal and published modifications).

NM_001966.4(EHHADH):c.907G>A (p.Val303Ile)

Gene: EHHADH (enoyl-CoA hydratase and 3-hydroxyacyl CoA dehydrogenase; minus strand). Cytogenetic location: 3q27.2.
Variant type: single nucleotide variant.
Coding change: c.907G>A on transcript NM_001966.4 (MANE Select); coding-DNA position 907, G replaced by A.
Protein change: p.Val303Ile; replaces valine 303 with isoleucine.
Molecular consequence: missense variant.
Genome position (GRCh38, 1-based): chr3:185,204,419, C>T on the plus strand (G>A on the coding strand, the complement: EHHADH is on the minus strand). VCF-style: chr3-185204419-C-T. GRCh37 (hg19) VCF-style: chr3-184922207-C-T.
Other names: c.619G>A, p.Val207Ile (NM_001166415.2); short protein forms V207I, V303I.
Identifiers: ClinVar variation 2635009 (VCV002635009.4), dbSNP rs111629390, ClinGen allele CA2739097.